The following is an entry in ClinVar:

NM_000256.3(MYBPC3):c.821+3G>A

Gene: MYBPC3 (myosin binding protein C3; minus strand). Cytogenetic location: 11p11.2.
Variant type: single nucleotide variant.
Coding change: c.821+3G>A on transcript NM_000256.3 (MANE Select); 3 bases into the intron after coding-DNA position 821, G replaced by A.
Molecular consequence: intron variant.
Genome position (GRCh38, 1-based): chr11:47,347,854, C>T on the plus strand (G>A on the coding strand, the complement: MYBPC3 is on the minus strand). VCF-style: chr11-47347854-C-T. GRCh37 (hg19) VCF-style: chr11-47369405-C-T.
Identifiers: ClinVar variation 1989110 (VCV001989110.3), dbSNP rs727503213, ClinGen allele CA474221293.
Genomic context (GRCh38, chr11:47,347,854, plus strand): 5'-AGACCCTGAAGGGCCTCAGACTCCAGCACTGGCCTCCCCCAGGCCCTGAGGATGGCCACT[C>T]ACGTGCGGCGGAAGGCTGATAGGAGGTCCAGGTCTCCGGTGCCCATGGCCTCTGGGTTCA-3'

ClinVar aggregate classification (germline): Uncertain significance. Review status: criteria provided, multiple submitters, no conflicts (2 of 4 stars). 2 submissions from 2 submitters: Uncertain significance (2). Last evaluated 2026-03-26.

Conditions:
Hypertrophic cardiomyopathy. Also called: HYPERTROPHIC MYOCARDIOPATHY. Identifiers: Orphanet 217569, MedGen C0007194, MeSH D002312, MONDO:0005045, HP:0001639.

Allele frequency attached by ClinVar (database versions not stated): TOPMed below 0.00001; gnomAD 0.00001.
gnomAD v4.1: 8 of 1,564,282 alleles (0.00051%); highest among the groups gnomAD compares: East Asian, 0.012%; no homozygotes.

Submissions (2):

Women's Health and Genetics/Laboratory Corporation of America, LabCorp
Classification: Uncertain significance. Last evaluated: 2026-03-26. Review status: criteria provided, single submitter. Criteria: LabCorp Variant Classification Summary - May 2015. Collection method: clinical testing. Allele origin: germline.
Comment: Variant summary: MYBPC3 c.821+3G>A alters a conserved nucleotide located close to a canonical splice site and therefore could affect mRNA splicing, leading to a significantly altered protein sequence. Consensus agreement among computation tools predict no significant impact on normal splicing. However, these predictions have yet to be confirmed by functional studies. The frequency data for this variant in gnomAD is considered unreliable, as metrics indicate poor data quality at this position. c.821+3G>A has been observed in an individual affected with Hypertrophic Cardiomyopathy without cosegregation information (Bottillo_2016). This report does not provide unequivocal conclusions about association of the variant with Hypertrophic Cardiomyopathy. To our knowledge, no experimental evidence demonstrating an impact on protein function has been reported. The following publication has been ascertained in the context of this evaluation (PMID: 26656175). ClinVar contains an entry for this variant (Variation ID: 1989110). Based on the evidence outlined above, the variant was classified as uncertain significance.

Labcorp Genetics (formerly Invitae), Labcorp
Classification: Uncertain significance for Hypertrophic cardiomyopathy. Last evaluated: 2022-08-12. Review status: criteria provided, single submitter. Criteria: Invitae Variant Classification Sherloc (09022015). Collection method: clinical testing. Allele origin: germline.
Comment: In summary, the available evidence is currently insufficient to determine the role of this variant in disease. Therefore, it has been classified as a Variant of Uncertain Significance. This variant disrupts the c.821+3G nucleotide in the MYBPC3 gene. Other variant(s) that disrupt this nucleotide have been determined to be pathogenic (PMID: 23233322, 30645170). This suggests that this nucleotide is clinically significant, and that variants that disrupt this position are likely to be disease-causing. Variants that disrupt the consensus splice site are a relatively common cause of aberrant splicing (PMID: 17576681, 9536098). Algorithms developed to predict the effect of sequence changes on RNA splicing suggest that this variant is not likely to affect RNA splicing. This variant has been observed in individual(s) with hypertrophic cardiomyopathy (PMID: 26656175). This variant is present in population databases (no rsID available, gnomAD 0.004%). This sequence change falls in intron 7 of the MYBPC3 gene. It does not directly change the encoded amino acid sequence of the MYBPC3 protein. It affects a nucleotide within the consensus splice site.

Literature cited by the submitters: PubMed 26656175 (cited by Women's Health and Genetics/Laboratory Corporation of America, LabCorp and Labcorp Genetics (formerly Invitae), Labcorp); PubMed 23233322 (cited by Labcorp Genetics (formerly Invitae), Labcorp); PubMed 30645170 (cited by Labcorp Genetics (formerly Invitae), Labcorp); PubMed 17576681 (cited by Labcorp Genetics (formerly Invitae), Labcorp); PubMed 9536098 (cited by Labcorp Genetics (formerly Invitae), Labcorp).